The following is an entry in ClinVar:

NM_001572.5(IRF7):c.708C>A (p.Tyr236Ter)

Gene: IRF7 (interferon regulatory factor 7; minus strand). Cytogenetic location: 11p15.5.
Variant type: single nucleotide variant.
Coding change: c.708C>A on transcript NM_001572.5 (MANE Select); coding-DNA position 708, C replaced by A.
Protein change: p.Tyr236Ter; replaces tyrosine 236 with a stop codon.
Molecular consequence: nonsense. On other transcripts: intron variant (1).
Genome position (GRCh38, 1-based): chr11:614,009, G>T on the plus strand (C>A on the coding strand, the complement: IRF7 is on the minus strand). VCF-style: chr11-614009-G-T. GRCh37 (hg19) VCF-style: chr11-614009-G-T.
Other names: c.747C>A, p.Tyr249Ter (NM_004031.4); c.680-144C>A (NM_004029.4); c.708C>A, p.Tyr236Ter (LRG_1313t1); short protein forms Y249*, Y236*.
Identifiers: ClinVar variation 664560 (VCV000664560.6), dbSNP rs1589920808, ClinGen allele CA378980310.

ClinVar aggregate classification (germline): Uncertain significance (1 of 4 stars; one submission).

Conditions:
Immunodeficiency 39 (IMD39). Identifiers: Orphanet 574918, MedGen C4225358, MONDO:0014597, OMIM 616345.

Submission:

Labcorp Genetics (formerly Invitae), Labcorp
Classification: Uncertain significance for Immunodeficiency 39. Last evaluated: 2022-06-19. Review status: criteria provided, single submitter. Criteria: Invitae Variant Classification Sherloc (09022015). Collection method: clinical testing. Allele origin: germline.
Comment: In summary, the available evidence is currently insufficient to determine the role of this variant in disease. Therefore, it has been classified as a Variant of Uncertain Significance. ClinVar contains an entry for this variant (Variation ID: 664560). This variant has not been reported in the literature in individuals affected with IRF7-related conditions. This variant is not present in population databases (gnomAD no frequency). This sequence change creates a premature translational stop signal (p.Tyr249*) in the IRF7 gene. It is expected to result in an absent or disrupted protein product. However, the current clinical and genetic evidence is not sufficient to establish whether loss-of-function variants in IRF7 cause disease.